The following is an entry in ClinVar:

NM_020937.4(FANCM):c.5117A>C (p.Asn1706Thr)

Gene: FANCM (FA complementation group M; plus strand). Cytogenetic location: 14q21.2.
Variant type: single nucleotide variant.
Coding change: c.5117A>C on transcript NM_020937.4 (MANE Select); coding-DNA position 5117, A replaced by C.
Protein change: p.Asn1706Thr; replaces asparagine 1706 with threonine.
Molecular consequence: missense variant.
Genome position (GRCh38, 1-based): chr14:45,189,139, A>C. VCF-style: chr14-45189139-A-C. GRCh37 (hg19) VCF-style: chr14-45658342-A-C.
Other names: c.5117A>C (LRG_502t1); c.5039A>C, p.Asn1680Thr (NM_001308133.2); short protein forms N1680T, N1706T.
Identifiers: ClinVar variation 644140 (VCV000644140.18), dbSNP rs767619000, ClinGen allele CA7169911.

ClinVar aggregate classification (germline): Uncertain significance. Review status: criteria provided, multiple submitters, no conflicts (2 of 4 stars). 4 submissions from 4 submitters: Uncertain significance (4). Last evaluated 2025-11-10.

Conditions:
Spermatogenic failure 28. Identifiers: MedGen C4748117, MONDO:0054732, OMIM 618086.
Premature ovarian failure 15. Identifiers: MedGen C4748170, MONDO:0054862, OMIM 618096.
Fanconi anemia (FA). Also called: Fanconi's anemia. Identifiers: Orphanet 84, MedGen C0015625, MeSH D005199, MONDO:0019391.

Allele frequency attached by ClinVar (database versions not stated): ExAC 0.00002; TOPMed 0.00002; gnomAD 0.00003 and 0.00004; gnomAD exomes 0.00003.
gnomAD v4.1: 211 of 1,614,106 alleles (0.013%); highest among the groups gnomAD compares: Non-Finnish European, 0.017%; no homozygotes.

Submissions (4):

Labcorp Genetics (formerly Invitae), Labcorp
Classification: Uncertain significance for Fanconi anemia. Last evaluated: 2025-11-10. Review status: criteria provided, single submitter. Criteria: Invitae Variant Classification Sherloc (09022015). Collection method: clinical testing. Allele origin: germline.
Comment: This sequence change replaces asparagine, which is neutral and polar, with threonine, which is neutral and polar, at codon 1706 of the FANCM protein (p.Asn1706Thr). This variant is present in population databases (rs767619000, gnomAD 0.006%). This variant has not been reported in the literature in individuals affected with FANCM-related conditions. ClinVar contains an entry for this variant (Variation ID: 644140). An algorithm developed to predict the effect of missense changes on protein structure and function outputs the following: PolyPhen-2: "Benign". The threonine amino acid residue is found in multiple mammalian species, which suggests that this missense change does not adversely affect protein function. In summary, the available evidence is currently insufficient to determine the role of this variant in disease. Therefore, it has been classified as a Variant of Uncertain Significance.

GeneDx
Classification: Uncertain significance. Last evaluated: 2024-02-22. Review status: criteria provided, single submitter. Criteria: GeneDx Variant Classification Process June 2021. Collection method: clinical testing. Allele origin: germline. Affected: yes.
Comment: Not observed at significant frequency in large population cohorts (gnomAD); In silico analysis supports that this missense variant does not alter protein structure/function; Observed with FANCM p.(S1276L) in an adult with head and neck squamous cell carcinoma (PMID: 28678401); This variant is associated with the following publications: (PMID: 28678401)

Blueprint Genetics
Classification: Uncertain significance. Last evaluated: 2024-02-15. Review status: criteria provided, single submitter. Criteria: ACMG Guidelines, 2015. Collection method: clinical testing. Allele origin: germline.

Fulgent Genetics
Classification: Uncertain significance for Spermatogenic failure 28; Premature ovarian failure 15. Last evaluated: 2021-11-29. Review status: criteria provided, single submitter. Criteria: ACMG Guidelines, 2015. Collection method: clinical testing. Allele origin: unknown.